The following is an entry in ClinVar:

ClinVar aggregate classification (germline): Uncertain significance (1 of 4 stars; one submission).

Conditions:
Symmetrical dyschromatosis of extremities (DSH). Also called: DYSCHROMATOSIS SYMMETRICA HEREDITARIA 1; RETICULATE ACROPIGMENTATION OF DOHI; SYMMETRIC DYSCHROMATOSIS OF THE EXTREMITIES; Dyschromatosis symmetrica hereditaria. Identifiers: Orphanet 41, MedGen C0406775, MONDO:0007483, OMIM 127400.
Aicardi-Goutieres syndrome 6 (AGS6). Identifiers: Orphanet 51, MedGen C3539013, MONDO:0014007, OMIM 615010.

Submission:

Labcorp Genetics (formerly Invitae), Labcorp
Classification: Uncertain significance for Aicardi-Goutieres syndrome 6; Symmetrical dyschromatosis of extremities. Last evaluated: 2025-05-01. Review status: criteria provided, single submitter. Criteria: Invitae Variant Classification Sherloc (09022015). Collection method: clinical testing. Allele origin: germline.
Comment: This sequence change replaces serine, which is neutral and polar, with glycine, which is neutral and non-polar, at codon 977 of the ADAR protein (p.Ser977Gly). This variant is not present in population databases (gnomAD no frequency). This variant has not been reported in the literature in individuals affected with ADAR-related conditions. ClinVar contains an entry for this variant (Variation ID: 3763209). Invitae Evidence Modeling of protein sequence and biophysical properties (such as structural, functional, and spatial information, amino acid conservation, physicochemical variation, residue mobility, and thermodynamic stability) has been performed for this missense variant. However, the output from this modeling did not meet the statistical confidence thresholds required to predict the impact of this variant on ADAR protein function. In summary, the available evidence is currently insufficient to determine the role of this variant in disease. Therefore, it has been classified as a Variant of Uncertain Significance.

NM_001111.5(ADAR):c.2929A>G (p.Ser977Gly)

Gene: ADAR (adenosine deaminase RNA specific; minus strand). Cytogenetic location: 1q21.3.
Variant type: single nucleotide variant.
Coding change: c.2929A>G on transcript NM_001111.5 (MANE Select); coding-DNA position 2929, A replaced by G.
Protein change: p.Ser977Gly; replaces serine 977 with glycine.
Molecular consequence: missense variant.
Genome position (GRCh38, 1-based): chr1:154,588,215, T>C on the plus strand (A>G on the coding strand, the complement: ADAR is on the minus strand). VCF-style: chr1-154588215-T-C. GRCh37 (hg19) VCF-style: chr1-154560691-T-C.
Other names: c.2044A>G, p.Ser682Gly (NM_001365048.1, NM_001025107.3, NM_001193495.2 and 2 more transcripts); c.1966A>G, p.Ser656Gly (NM_001365049.1); c.2851A>G, p.Ser951Gly (NM_015840.4); c.2794A>G, p.Ser932Gly (NM_015841.4); c.2956A>G, p.Ser986Gly (NM_001365045.1); short protein forms S656G, S682G, S932G, S951G, S977G, S986G.
Identifiers: ClinVar variation 3763209 (VCV003763209.2).